The following is an entry in ClinVar:

NM_031407.7(HUWE1):c.12514C>G (p.Leu4172Val)

Gene: HUWE1 (HECT, UBA and WWE domain containing E3 ubiquitin protein ligase 1; minus strand). Cytogenetic location: Xp11.22.
Variant type: single nucleotide variant.
Coding change: c.12514C>G on transcript NM_031407.7 (MANE Select); coding-DNA position 12514, C replaced by G.
Protein change: p.Leu4172Val; replaces leucine 4172 with valine.
Molecular consequence: missense variant.
Genome position (GRCh38, 1-based): chrX:53,536,164, G>C on the plus strand (C>G on the coding strand, the complement: HUWE1 is on the minus strand). VCF-style: chrX-53536164-G-C. GRCh37 (hg19) VCF-style: chrX-53563125-G-C.
Other names: short protein forms L4172V.
Identifiers: ClinVar variation 1999048 (VCV001999048.4), dbSNP rs2522010672, ClinGen allele CA413148952.
Genomic context (GRCh38, chrX:53,536,164, plus strand): 5'-CAGATTGGCTGGGATGTGCTGTGATTAGGATTTCCTGACCTACCTCAGTGCTGAAGGTGA[G>C]GTCATAGCCTAGTGTGGAGACATCATTTTCCAGCAGATAAACCAGACCTTGGTAGAAGTG-3'
Protein context (NP_113584.3, residues 4162-4182): ENDVSTLGYD[Leu4172Val]TFSTEVQEFG

ClinVar aggregate classification (germline): Uncertain significance (1 of 4 stars; one submission).

gnomAD v4.1: 1 of 1,194,786 alleles (0.000084%); no homozygotes.

Submission:

Labcorp Genetics (formerly Invitae), Labcorp
Classification: Uncertain significance. Last evaluated: 2022-08-28. Review status: criteria provided, single submitter. Criteria: Invitae Variant Classification Sherloc (09022015). Collection method: clinical testing. Allele origin: germline.
Comment: In summary, the available evidence is currently insufficient to determine the role of this variant in disease. Therefore, it has been classified as a Variant of Uncertain Significance. Advanced modeling of protein sequence and biophysical properties (such as structural, functional, and spatial information, amino acid conservation, physicochemical variation, residue mobility, and thermodynamic stability) performed at Invitae indicates that this missense variant is expected to disrupt HUWE1 protein function. This variant has not been reported in the literature in individuals affected with HUWE1-related conditions. This variant is not present in population databases (gnomAD no frequency). This sequence change replaces leucine, which is neutral and non-polar, with valine, which is neutral and non-polar, at codon 4172 of the HUWE1 protein (p.Leu4172Val).